The following is an entry in ClinVar:

ClinVar aggregate classification (germline): Likely benign (1 of 4 stars; one submission).

Conditions:
Retinitis pigmentosa (RP). Identifiers: Orphanet 791, MedGen C0035334, MeSH D012174, MONDO:0019200, OMIM 268000. Inheritance: Autosomal dominant, autosomal recessive and X linked inheritance.

Allele frequency attached by ClinVar (database versions not stated): gnomAD 0.01141 and 0.01221; TOPMed 0.01263; 1000 Genomes Project 0.01478; 1000 Genomes Project 30x 0.01577.
gnomAD v4.1: 3,030 of 1,439,906 alleles (0.21%); highest among the groups gnomAD compares: African/African-American, 4%; 62 homozygotes.

Submission:

Illumina Laboratory Services, Illumina
Classification: Likely benign for Retinitis pigmentosa. Last evaluated: 2018-01-12. Review status: criteria provided, single submitter. Criteria: ICSL Variant Classification Criteria 13 December 2019. Collection method: clinical testing. Allele origin: germline.
Comment: This variant was observed in the ICSL laboratory as part of a predisposition screen in an ostensibly healthy population. It had not been previously curated by ICSL or reported in the Human Gene Mutation Database (HGMD: prior to June 1st, 2018), and was therefore a candidate for classification through an automated scoring system. Utilizing variant allele frequency, disease prevalence and penetrance estimates, and inheritance mode, an automated score was calculated to assess if this variant is too frequent to cause the disease. Based on the score and internal cut-off values, a variant classified as likely benign is not then subjected to further curation. The score for this variant resulted in a classification of likely benign for this disease.

NM_144631.6(ZNF513):c.-108G>A

Genes: ZNF513 (zinc finger protein 513; minus strand), LOC129933377 (ATAC-STARR-seq lymphoblastoid silent region 11297; plus strand). Cytogenetic location: 2p23.3.
Variant type: single nucleotide variant.
Coding change: c.-108G>A on transcript NM_144631.6 (MANE Select); 108 bases upstream of the start codon, G replaced by A.
Molecular consequence: 5 prime UTR variant.
Genome position (GRCh38, 1-based): chr2:27,380,634, C>T on the plus strand (G>A on the coding strand, the complement: ZNF513 is on the minus strand). VCF-style: chr2-27380634-C-T. GRCh37 (hg19) VCF-style: chr2-27603501-C-T.
Identifiers: ClinVar variation 898693 (VCV000898693.4), dbSNP rs570581823, ClinGen allele CA44532089.